The following is an entry in ClinVar:

ClinVar aggregate classification (germline): Benign/Likely benign. Review status: criteria provided, multiple submitters, no conflicts (2 of 4 stars). 12 submissions from 12 submitters: Benign (8); Likely benign (1). 3 of the submissions do not count toward it. Last evaluated 2026-02-04.

Conditions:
Neuronal ceroid lipofuscinosis. Also called: Neuronal Ceroid Lipofuscinoses. Identifiers: Orphanet 216, Orphanet 79263, MedGen C0027877, MONDO:0016295. Disease mechanism: loss of function.
Neuronal ceroid lipofuscinosis 5 (CLN5). Also called: Neuronal ceroid lipofuscinosis Finnish variant; NEURONAL CEROID LIPOFUSCINOSIS, LATE INFANTILE, FINNISH VARIANT; CEROID LIPOFUSCINOSIS, NEURONAL, 5, VARIABLE AGE AT ONSET; CLN5-Related Neuronal Ceroid-Lipofuscinosis. Identifiers: Orphanet 168491, Orphanet 228360, MedGen C1850442, MONDO:0009745, OMIM 256731.

Allele frequency attached by ClinVar (database versions not stated): ESP Exome Variant Server 0.02673; gnomAD 0.03653 and 0.03900; TOPMed 0.04273; gnomAD exomes 0.04334 and 0.06877; 1000 Genomes Project 30x 0.05965; 1000 Genomes Project 0.06370; ExAC 0.09022.

Submissions (12):

Labcorp Genetics (formerly Invitae), Labcorp
Classification: Benign for Neuronal ceroid lipofuscinosis. Last evaluated: 2026-02-04. Review status: criteria provided, single submitter. Criteria: Invitae Variant Classification Sherloc (09022015). Collection method: clinical testing. Allele origin: germline.

Blueprint Genetics
Classification: Likely benign. Last evaluated: 2024-11-27. Review status: criteria provided, single submitter. Criteria: ACMG Guidelines, 2015. Collection method: clinical testing. Allele origin: germline.

Women's Health and Genetics/Laboratory Corporation of America, LabCorp
Classification: Benign. Last evaluated: 2022-07-12. Review status: criteria provided, single submitter. Criteria: LabCorp Variant Classification Summary - May 2015. Collection method: clinical testing. Allele origin: germline.

Genome-Nilou Lab
Classification: Benign for Neuronal ceroid lipofuscinosis 5. Last evaluated: 2021-07-10. Review status: criteria provided, single submitter. Criteria: ACMG Guidelines, 2015. Collection method: clinical testing. Allele origin: germline. Affected: no.

Illumina Laboratory Services, Illumina
Classification: Benign for Neuronal ceroid lipofuscinosis 5. Last evaluated: 2018-01-13. Review status: criteria provided, single submitter. Criteria: ICSL Variant Classification Criteria 13 December 2019. Collection method: clinical testing. Allele origin: germline.
Comment: This variant was observed in the ICSL laboratory as part of a predisposition screen in an ostensibly healthy population. It had not been previously curated by ICSL or reported in the Human Gene Mutation Database (HGMD: prior to June 1st, 2018), and was therefore a candidate for classification through an automated scoring system. Utilizing variant allele frequency, disease prevalence and penetrance estimates, and inheritance mode, an automated score was calculated to assess if this variant is too frequent to cause the disease. Based on the score and internal cut-off values, a variant classified as benign is not then subjected to further curation. The score for this variant resulted in a classification of benign for this disease.

Eurofins Ntd Llc (ga)
Classification: Benign. Last evaluated: 2016-04-13. Review status: criteria provided, single submitter. Criteria: EGL Classification Definitions 2015. Collection method: clinical testing. Allele origin: germline. Observed: 6 variant alleles, 5 heterozygotes, 1 homozygote.

GeneDx
Classification: Benign. Last evaluated: 2012-02-27. Review status: criteria provided, single submitter. Criteria: GeneDx Variant Classification (06012015). Collection method: clinical testing. Allele origin: germline. Affected: yes.
Comment: This variant is considered likely benign or benign based on one or more of the following criteria: it is a conservative change, it occurs at a poorly conserved position in the protein, it is predicted to be benign by multiple in silico algorithms, and/or has population frequency not consistent with disease.

Breakthrough Genomics
Classification: Benign. Review status: criteria provided, single submitter. Criteria: ACMG Guidelines, 2015. Collection method: not provided. Allele origin: germline. Inheritance: Autosomal recessive inheritance. Affected: yes.

PreventionGenetics, part of Exact Sciences
Classification: Benign. Review status: criteria provided, single submitter. Criteria: ACMG Guidelines, 2015. Collection method: clinical testing. Allele origin: germline.

Natera, Inc.
Classification: Benign for Neuronal ceroid lipofuscinosis. Last evaluated: 2020-09-16. Review status: no assertion criteria provided. Collection method: clinical testing. Allele origin: germline. Not counted in ClinVar's aggregate classification.

Mayo Clinic Laboratories, Mayo Clinic
Classification: Benign. Last evaluated: 2015-10-22. Review status: no assertion criteria provided. Collection method: clinical testing. Allele origin: unknown. Not counted in ClinVar's aggregate classification.

Genetic Services Laboratory, University of Chicago
Classification: Likely benign for AllHighlyPenetrant. Review status: no assertion criteria provided. Collection method: clinical testing. Allele origin: germline. Inheritance: Autosomal recessive inheritance. Not counted in ClinVar's aggregate classification.
Comment: Likely benign based on allele frequency in 1000 Genomes Project or ESP global frequency and its presence in a patient with a rare or unrelated disease phenotype. NOT Sanger confirmed.

NM_006493.4(CLN5):c.173+8C>T

Genes: CLN5 (CLN5 lysosomal BMP synthase; plus strand), LOC130009913 (ATAC-STARR-seq lymphoblastoid silent region 5414; plus strand). Cytogenetic location: 13q22.3.
Variant type: single nucleotide variant.
Coding change: c.173+8C>T on transcript NM_006493.4 (MANE Select); 8 bases into the intron after coding-DNA position 173, C replaced by T.
Molecular consequence: intron variant.
Genome position (GRCh38, 1-based): chr13:76,992,279, C>T. VCF-style: chr13-76992279-C-T. GRCh37 (hg19) VCF-style: chr13-77566414-C-T.
Other names: c.320+8C>T (LRG_692t1); c.173+8C>T (NM_001366624.2).
Identifiers: ClinVar variation 128781 (VCV000128781.30), dbSNP rs9565308, ClinGen allele CA152429.